The following is an entry in ClinVar:

ClinVar aggregate classification (germline): Pathogenic/Likely pathogenic. Review status: criteria provided, multiple submitters, no conflicts (2 of 4 stars). 4 submissions from 4 submitters: Pathogenic (3); Likely pathogenic (1). Last evaluated 2025-05-07.

Conditions:
Congenital myasthenic syndrome (CMS). Also called: Congenital Myasthenic Syndromes. Identifiers: Orphanet 590, MedGen C0751882, MeSH D020294, MONDO:0018940.
Congenital myasthenic syndrome 4A. Also called: CONGENITAL MYASTHENIC SYNDROME TYPE Ia1; Myasthenic syndrome, congenital, 4a, slow-channel; MYASTHENIC SYNDROME, CONGENITAL, 4A, SLOW-CHANNEL, AUTOSOMAL RECESSIVE. Identifiers: Orphanet 590, MedGen C4225413, MONDO:0011600, OMIM 605809.
Congenital myasthenic syndrome 4B. Also called: Myasthenic syndrome, congenital, 4b, fast-channel. Identifiers: Orphanet 590, MedGen C4225369, MONDO:0014586, OMIM 616324.
Congenital myasthenic syndrome 4C (CMS4C). Also called: Myasthenic syndrome, congenital, associated with acetylcholine receptor deficiency. Identifiers: Orphanet 590, MedGen C1837091, MONDO:0012157, OMIM 608931.
Congenital myasthenic syndrome 4. Identifiers: MedGen CN378141, MONDO:1040021.

Allele frequency attached by ClinVar (database versions not stated): ExAC 0.00001.
gnomAD v4.1: 7 of 1,606,928 alleles (0.00044%); highest among the groups gnomAD compares: South Asian, 0.0011%; no homozygotes.

Submissions (4):

Labcorp Genetics (formerly Invitae), Labcorp
Classification: Pathogenic for Congenital myasthenic syndrome 4A. Last evaluated: 2025-05-07. Review status: criteria provided, single submitter. Criteria: Invitae Variant Classification Sherloc (09022015). Collection method: clinical testing. Allele origin: germline.
Comment: This sequence change creates a premature translational stop signal (p.Gln398*) in the CHRNE gene. It is expected to result in an absent or disrupted protein product. Loss-of-function variants in CHRNE are known to be pathogenic (PMID: 22678886). The frequency data for this variant in the population databases is considered unreliable, as metrics indicate poor data quality at this position in the gnomAD database. This variant has not been reported in the literature in individuals affected with CHRNE-related conditions. ClinVar contains an entry for this variant (Variation ID: 2170253). For these reasons, this variant has been classified as Pathogenic.

Clinical Omics and Informatics (COIN) Unit, Neuroscience Institute, University Of Cape Town
Classification: Pathogenic for Congenital myasthenic syndrome 4. Last evaluated: 2025-02-10. Review status: criteria provided, single submitter. Criteria: ACMG Guidelines, 2015. Collection method: research. Allele origin: germline. Inheritance: Autosomal recessive inheritance. Affected: yes. Observed: 1 variant allele, 1 homozygote.
Comment: The highest population allele frequency of this variant in gnomAD v4.0 is 0.000011 (0.001%; 1/90660 alleles in the South Asian population). PM3_Strong: 1.5 points: 0.5 points awarded for homozygous observation of variant in proband under assessment, 1 point awarded for a compound heterozygous observation of the variant with another pathogenic CHRNE variant (confirmed in trans) and 0.5 points awarded for a compound heterozygous observation of the variant with another pathogenic CHRNE variant (not confirmed in trans) (PMID: 29395675)- both observations are in probands with consistent phenotype for disorder. PVS1_Strong: nonsense variant, predicted to undergo NMD, exon is present in biologically-relevant transcript. Loss of function variation in CHRNE is a reported disease mechanism (PMID 22678886). Sequencing funded by the International Centre for Genomic Medicine in Neuromuscular Diseases (ICGNMD).

Natera, Inc.
Classification: Pathogenic for Congenital myasthenic syndrome. Last evaluated: 2024-10-24. Review status: criteria provided, single submitter. Criteria: Natera Variant Classification Schema (03/2026). Collection method: clinical testing. Allele origin: germline.
Comment: The c.1192C>T variant in CHRNE is a nonsense variant predicted to introduce a stop codon at amino acid 398. This variant is expected to result in nonsense mediated decay, truncation, or a dysfunctional protein product. This variant is rare in the general population with a frequency below the threshold expected for the associated phenotype(s). This variant has been observed in one or more individuals affected with the associated recessive disease, as either homozygous or compound heterozygous with a second variant (PMID: 29395675). Given the available evidence, this variant is classified as Pathogenic.

Fulgent Genetics
Classification: Likely pathogenic for Congenital myasthenic syndrome 4A; Congenital myasthenic syndrome 4C; Congenital myasthenic syndrome 4B. Last evaluated: 2024-06-17. Review status: criteria provided, single submitter. Criteria: ACMG Guidelines, 2015. Collection method: clinical testing. Allele origin: germline.

Literature cited by the submitters: PubMed 22678886 (cited by Labcorp Genetics (formerly Invitae), Labcorp and Clinical Omics and Informatics (COIN) Unit, Neuroscience Institute, University Of Cape Town); PubMed 29395675 (cited by Clinical Omics and Informatics (COIN) Unit, Neuroscience Institute, University Of Cape Town and Natera, Inc.).

NM_000080.4(CHRNE):c.1192C>T (p.Gln398Ter)

Genes: CHRNE (cholinergic receptor nicotinic epsilon subunit; minus strand), LOC130060040 (ATAC-STARR-seq lymphoblastoid silent region 8049; plus strand). Cytogenetic location: 17p13.2.
Variant type: single nucleotide variant.
Coding change: c.1192C>T on transcript NM_000080.4 (MANE Select); coding-DNA position 1192, C replaced by T.
Protein change: p.Gln398Ter; replaces glutamine 398 with a stop codon.
Molecular consequence: nonsense.
Genome position (GRCh38, 1-based): chr17:4,899,225, G>A on the plus strand (C>T on the coding strand, the complement: CHRNE is on the minus strand). VCF-style: chr17-4899225-G-A. GRCh37 (hg19) VCF-style: chr17-4802520-G-A.
Other names: c.1192C>T (NM_000080.3); short protein forms Q398*.
Identifiers: ClinVar variation 2170253 (VCV002170253.7), dbSNP rs771486772, ClinGen allele CA8313985.